The following is an entry in ClinVar:

ClinVar aggregate classification (germline): Likely benign (1 of 4 stars; one submission).

gnomAD v4.1: 2 of 1,614,020 alleles (0.00012%); highest among the groups gnomAD compares: Non-Finnish European, 0.00017%; no homozygotes.

Submission:

Mayo Clinic Laboratories, Mayo Clinic
Classification: Likely benign. Last evaluated: 2025-04-29. Review status: criteria provided, single submitter. Criteria: ACMG Guidelines, 2015. Collection method: clinical testing. Allele origin: germline. Observed: 1 variant allele.
Comment: BP4, BP7

NM_000701.8(ATP1A1):c.2535G>C (p.Val845=)

Genes: ATP1A1-AS1 (ATP1A1 antisense RNA 1; minus strand), ATP1A1 (ATPase Na+/K+ transporting subunit alpha 1; plus strand). Cytogenetic location: 1p13.1.
Variant type: single nucleotide variant.
Coding change: c.2535G>C on transcript NM_000701.8 (MANE Select); coding-DNA position 2535, G replaced by C.
Protein change: p.Val845=; no amino-acid change (valine 845 retained).
Molecular consequence: synonymous variant.
Genome position (GRCh38, 1-based): chr1:116,399,506, G>C. VCF-style: chr1-116399506-G-C. GRCh37 (hg19) VCF-style: chr1-116942128-G-C.
Other names: p.Val845=; c.2535G>C, p.Val845= (NM_001160233.2); c.2442G>C, p.Val814= (NM_001160234.2).
Identifiers: ClinVar variation 4683403 (VCV004683403.1).
Genomic context (GRCh38, chr1:116,399,506, plus strand): 5'-GCAGGCTGAGAGTGACATCATGAAGAGACAGCCCAGAAATCCCAAAACAGACAAACTTGT[G>C]AATGAGCGGCTGATCAGCATGGCCTATGGGCAGATTGGTAAGCTGCAGCCTGGAGTGGGA-3'
Protein context (NP_000692.2, residues 835-855): QPRNPKTDKL[Val845=]NERLISMAYG